The following is an entry in ClinVar:

ClinVar aggregate classification (germline): Uncertain significance. Review status: criteria provided, multiple submitters, no conflicts (2 of 4 stars). 2 submissions from 2 submitters: Uncertain significance (2). Last evaluated 2024-12-10.

Conditions:
Inborn genetic diseases. Identifiers: MedGen C0950123, MeSH D030342.
Cranioectodermal dysplasia 2 (CED2). Identifiers: Orphanet 1515, MedGen C3150874, MONDO:0013323, OMIM 613610.
Short-rib thoracic dysplasia 7 with or without polydactyly (SRTD7). Also called: Short rib polydactyly syndrome 5; SHORT-RIB THORACIC DYSPLASIA 7 WITH POLYDACTYLY. Identifiers: Orphanet 498497, Orphanet 93271, MedGen C3279792, MONDO:0013569, OMIM 614091.

Allele frequency attached by ClinVar (database versions not stated): gnomAD exomes 0.00002; ExAC 0.00003; gnomAD 0.00004 and 0.00005; TOPMed 0.00007.
gnomAD v4.1: 40 of 1,613,174 alleles (0.0025%); highest among the groups gnomAD compares: South Asian, 0.013%; 1 homozygote.

Submissions (2):

Ambry Genetics
Classification: Uncertain significance for Inborn genetic diseases. Last evaluated: 2024-12-10. Review status: criteria provided, single submitter. Criteria: Ambry Variant Classification Scheme 2023. Collection method: clinical testing. Allele origin: germline.

Labcorp Genetics (formerly Invitae), Labcorp
Classification: Uncertain significance for Cranioectodermal dysplasia 2; Short-rib thoracic dysplasia 7 with or without polydactyly. Last evaluated: 2022-06-28. Review status: criteria provided, single submitter. Criteria: Invitae Variant Classification Sherloc (09022015). Collection method: clinical testing. Allele origin: germline.
Comment: This sequence change replaces arginine, which is basic and polar, with histidine, which is basic and polar, at codon 521 of the WDR35 protein (p.Arg521His). This variant is present in population databases (rs763031783, gnomAD 0.01%). This variant has not been reported in the literature in individuals affected with WDR35-related conditions. Algorithms developed to predict the effect of missense changes on protein structure and function are either unavailable or do not agree on the potential impact of this missense change (SIFT: "Tolerated"; PolyPhen-2: "Probably Damaging"; Align-GVGD: "Class C0"). Algorithms developed to predict the effect of sequence changes on RNA splicing suggest that this variant may disrupt the consensus splice site. In summary, the available evidence is currently insufficient to determine the role of this variant in disease. Therefore, it has been classified as a Variant of Uncertain Significance.

NM_020779.4(WDR35):c.1529G>A (p.Arg510His)

Gene: WDR35 (WD repeat domain 35; minus strand). Cytogenetic location: 2p24.1.
Variant type: single nucleotide variant.
Coding change: c.1529G>A on transcript NM_020779.4 (MANE Select); coding-DNA position 1529, G replaced by A.
Protein change: p.Arg510His; replaces arginine 510 with histidine.
Molecular consequence: missense variant.
Genome position (GRCh38, 1-based): chr2:19,946,566, C>T on the plus strand (G>A on the coding strand, the complement: WDR35 is on the minus strand). VCF-style: chr2-19946566-C-T. GRCh37 (hg19) VCF-style: chr2-20146327-C-T.
Other names: c.1562G>A (NM_001006657.1); c.1562G>A, p.Arg521His (NM_001006657.2); short protein forms R521H, R510H.
Identifiers: ClinVar variation 1521836 (VCV001521836.4), dbSNP rs763031783, ClinGen allele CA1543178.